The following is an entry in ClinVar:

ClinVar aggregate classification (germline): Likely benign. Review status: criteria provided, multiple submitters, no conflicts (2 of 4 stars). 2 submissions from 2 submitters: Likely benign (2). Last evaluated 2026-02-01.

Allele frequency attached by ClinVar (database versions not stated): gnomAD exomes 0.00010; ExAC 0.00015; 1000 Genomes Project 30x 0.00031; ESP Exome Variant Server 0.00038; 1000 Genomes Project 0.00040; TOPMed 0.00068; gnomAD 0.00070 and 0.00071.
gnomAD v4.1: 234 of 1,614,046 alleles (0.014%); highest among the groups gnomAD compares: African/African-American, 0.23%; 1 homozygote.

Submissions (2):

CeGaT Center for Human Genetics Tuebingen
Classification: Likely benign. Last evaluated: 2026-02-01. Review status: criteria provided, single submitter. Criteria: CeGaT Center For Human Genetics Tuebingen Variant Classification Criteria Version 2. Collection method: clinical testing. Allele origin: germline. Affected: yes. Observed: 1 variant allele.
Comment: DISP1: BP4, BP7

Labcorp Genetics (formerly Invitae), Labcorp
Classification: Likely benign. Last evaluated: 2023-05-20. Review status: criteria provided, single submitter. Criteria: Invitae Variant Classification Sherloc (09022015). Collection method: clinical testing. Allele origin: germline.

NM_001377229.1(DISP1):c.2271G>A (p.Ser757=)

Gene: DISP1 (dispatched RND transporter family member 1; plus strand). Cytogenetic location: 1q41.
Variant type: single nucleotide variant.
Coding change: c.2271G>A on transcript NM_001377229.1 (MANE Select); coding-DNA position 2271, G replaced by A.
Protein change: p.Ser757=; no amino-acid change (serine 757 retained).
Molecular consequence: synonymous variant.
Genome position (GRCh38, 1-based): chr1:223,003,668, G>A. VCF-style: chr1-223003668-G-A. GRCh37 (hg19) VCF-style: chr1-223177010-G-A.
Other names: c.1542G>A, p.Ser514= (NM_001350630.2); c.2271G>A, p.Ser757= (NM_001369594.1, NM_001377228.1, NM_032890.5).
Identifiers: ClinVar variation 727577 (VCV000727577.12), dbSNP rs150671718, ClinGen allele CA1409216.
Genomic context (GRCh38, chr1:223,003,668, plus strand): 5'-TATAAATCCAAAGATGAAACTGCCCTCACTGGAGTTATCCGAGTTCCAGGTGTTCCGGTC[G>A]TCCCATCCTTTTGAGCGTTATGATGCTGAATACAAAAAGCTTTTCATGTTTGAACGTGTT-3'
Protein context (NP_001364158.1, residues 747-767): LELSEFQVFR[Ser757=]SHPFERYDAE